The following is an entry in ClinVar:

ClinVar aggregate classification (germline): Uncertain significance. Review status: criteria provided, multiple submitters, no conflicts (2 of 4 stars). 2 submissions from 2 submitters: Uncertain significance (2). Last evaluated 2026-01-16.

Conditions:
Coffin-Siris syndrome 1 (CSS1). Also called: ARID1B-Related Coffin-Siris Syndrome; Mental retardation, autosomal dominant 12. Identifiers: Orphanet 1465, MedGen C3281201, MONDO:0007617, OMIM 135900. Disease mechanism: gain of function.

gnomAD v4.1: 1 of 1,606,938 alleles (0.000062%); no homozygotes.

Submissions (3):

3billion
Classification: Uncertain significance for Coffin-Siris syndrome 1. Last evaluated: 2026-01-16. Review status: criteria provided, single submitter. Criteria: ACMG Guidelines, 2015. Collection method: clinical testing. Allele origin: germline. Affected: yes.
Comment: The variant is observed at an extremely low frequency in the gnomAD v4.1.0 dataset (total allele frequency: <0.001%). Predicted Consequence/Location: Intron variant In silico tools predict the variant to alter splicing and produce an abnormal transcript [SpliceAI: 0.22 (>=0.2, moderate evidence for spliceogenicity)]. The variant has been reported as of uncertain significance (ClinVar ID: VCV003572688). Therefore, this variant is classified as VUS according to the recommendation of ACMG/AMP guideline.

GeneDx
Classification: Uncertain significance. Last evaluated: 2024-07-09. Review status: criteria provided, single submitter. Criteria: GeneDx Variant Classification Process June 2021. Collection method: clinical testing. Allele origin: germline. Affected: yes.
Comment: Not observed at significant frequency in large population cohorts (gnomAD); In silico analysis indicates that this variant does not alter splicing; Has not been previously published as pathogenic or benign to our knowledge

Dr. Peter K. Rogan Lab, Western University
No classification provided (evidence only). Condition: Gastric cancer. Review status: no classification provided. Collection method: in vitro. Allele origin: not applicable. Functional consequence: retained intron. Not counted in ClinVar's aggregate classification.

NM_001374828.1(ARID1B):c.3089+5G>A

Gene: ARID1B (AT-rich interaction domain 1B; plus strand). Cytogenetic location: 6q25.3.
Variant type: single nucleotide variant.
Coding change: c.3089+5G>A on transcript NM_001374828.1 (MANE Select); 5 bases into the intron after coding-DNA position 3089, G replaced by A.
Molecular consequence: intron variant.
Genome position (GRCh38, 1-based): chr6:157,148,956, G>A. VCF-style: chr6-157148956-G-A. GRCh37 (hg19) VCF-style: chr6-157470090-G-A.
Other names: NC_000006.11:g.157470090G>A; c.3128+5G>A (NM_001371656.1, NM_001374820.1); c.3089+5G>A (NM_017519.3); c.590+5G>A (NM_001363725.2).
Identifiers: ClinVar variation 3572688 (VCV003572688.3).